The following is an entry in ClinVar:

NM_000687.4(AHCY):c.715G>A (p.Val239Ile)

Gene: AHCY (adenosylhomocysteinase; minus strand). Cytogenetic location: 20q11.22.
Variant type: single nucleotide variant.
Coding change: c.715G>A on transcript NM_000687.4 (MANE Select); coding-DNA position 715, G replaced by A.
Protein change: p.Val239Ile; replaces valine 239 with isoleucine.
Molecular consequence: missense variant.
Genome position (GRCh38, 1-based): chr20:34,290,782, C>T on the plus strand (G>A on the coding strand, the complement: AHCY is on the minus strand). VCF-style: chr20-34290782-C-T. GRCh37 (hg19) VCF-style: chr20-32878588-C-T.
Other names: c.631G>A, p.Val211Ile (NM_001161766.2, NM_001322084.2, NM_001322085.2); c.721G>A, p.Val241Ile (NM_001322086.2); c.715G>A, p.Val239Ile (NM_001362750.2); short protein forms V241I, V239I, V211I.
Identifiers: ClinVar variation 2144629 (VCV002144629.1), dbSNP rs375760628, ClinGen allele CA9820914.

ClinVar aggregate classification (germline): Uncertain significance (1 of 4 stars; one submission).

Conditions:
Hypermethioninemia with deficiency of S-adenosylhomocysteine hydrolase. Identifiers: Orphanet 88618, MedGen C3151058, MONDO:0013404, OMIM 613752.

Allele frequency attached by ClinVar (database versions not stated): ExAC 0.00002; gnomAD 0.00006; TOPMed 0.00006; ESP Exome Variant Server 0.00008.
gnomAD v4.1: 38 of 1,613,922 alleles (0.0024%); highest among the groups gnomAD compares: African/African-American, 0.025%; no homozygotes.

Submission:

Labcorp Genetics (formerly Invitae), Labcorp
Classification: Uncertain significance for Hypermethioninemia with deficiency of S-adenosylhomocysteine hydrolase. Last evaluated: 2022-06-01. Review status: criteria provided, single submitter. Criteria: Invitae Variant Classification Sherloc (09022015). Collection method: clinical testing. Allele origin: germline.
Comment: This sequence change replaces valine, which is neutral and non-polar, with isoleucine, which is neutral and non-polar, at codon 239 of the AHCY protein (p.Val239Ile). This variant is present in population databases (rs375760628, gnomAD 0.03%). This variant has not been reported in the literature in individuals affected with AHCY-related conditions. Algorithms developed to predict the effect of missense changes on protein structure and function are either unavailable or do not agree on the potential impact of this missense change (SIFT: "Not Available"; PolyPhen-2: "Benign"; Align-GVGD: "Not Available"). In summary, the available evidence is currently insufficient to determine the role of this variant in disease. Therefore, it has been classified as a Variant of Uncertain Significance.